The following is an entry in ClinVar:

NM_001184.4(ATR):c.7385C>T (p.Ala2462Val)

Gene: ATR (ATR serine/threonine kinase; minus strand). Cytogenetic location: 3q23.
Variant type: single nucleotide variant.
Coding change: c.7385C>T on transcript NM_001184.4 (MANE Select); coding-DNA position 7385, C replaced by T.
Protein change: p.Ala2462Val; replaces alanine 2462 with valine.
Molecular consequence: missense variant.
Genome position (GRCh38, 1-based): chr3:142,459,076, G>A on the plus strand (C>T on the coding strand, the complement: ATR is on the minus strand). VCF-style: chr3-142459076-G-A. GRCh37 (hg19) VCF-style: chr3-142177918-G-A.
Other names: c.7193C>T, p.Ala2398Val (NM_001354579.2); short protein forms A2462V, A2398V.
Identifiers: ClinVar variation 3331989 (VCV003331989.1).
Genomic context (GRCh38, chr3:142,459,076, plus strand): 5'-AGAATATTTTCACCATGACGGTCTCCAAGCCCCAGAATATAACCAACCATTGACATTACT[G>A]CAGTGGAACGGCAGTAAGCTGATCTACTACTGTACCTAAAAGAAACACAATGCCTATGAA-3'
Protein context (NP_001175.2, residues 2452-2472): SSRSAYCRST[Ala2462Val]VMSMVGYILG

ClinVar aggregate classification (germline): Uncertain significance (1 of 4 stars; one submission).

Conditions:
Inborn genetic diseases. Identifiers: MedGen C0950123, MeSH D030342.

Submission:

Ambry Genetics
Classification: Uncertain significance for Inborn genetic diseases. Last evaluated: 2024-05-19. Review status: criteria provided, single submitter. Criteria: Ambry Variant Classification Scheme 2023. Collection method: clinical testing. Allele origin: germline.
Comment: The p.A2462V variant (also known as c.7385C>T), located in coding exon 44 of the ATR gene, results from a C to T substitution at nucleotide position 7385. The alanine at codon 2462 is replaced by valine, an amino acid with similar properties. This amino acid position is conserved. In addition, this alteration is predicted to be deleterious by in silico analysis. Based on the available evidence, the clinical significance of this variant remains unclear.